The following is an entry in ClinVar:

NM_000235.4(LIPA):c.686G>C (p.Gly229Ala)

Gene: LIPA (lipase A, lysosomal acid type; minus strand). Cytogenetic location: 10q23.31.
Variant type: single nucleotide variant.
Coding change: c.686G>C on transcript NM_000235.4 (MANE Select); coding-DNA position 686, G replaced by C.
Protein change: p.Gly229Ala; replaces glycine 229 with alanine.
Molecular consequence: missense variant.
Genome position (GRCh38, 1-based): chr10:89,223,820, C>G on the plus strand (G>C on the coding strand, the complement: LIPA is on the minus strand). VCF-style: chr10-89223820-C-G. GRCh37 (hg19) VCF-style: chr10-90983577-C-G.
Other names: c.686G>C, p.Gly229Ala (NM_001127605.3, NM_001440818.1, NM_001440819.1 and 16 more transcripts); c.338G>C, p.Gly113Ala (NM_001288979.2); c.818G>C, p.Gly273Ala (NM_001440836.1); c.707G>C, p.Gly236Ala (NM_001440837.1); c.701G>C, p.Gly234Ala (NM_001440838.1); c.518G>C, p.Gly173Ala (NM_001440839.1); short protein forms G173A, G236A, G273A, G113A, G229A, G234A.
Identifiers: ClinVar variation 4614517 (VCV004614517.1).

ClinVar aggregate classification (germline): Uncertain significance (1 of 4 stars; one submission).

Conditions:
Cardiovascular phenotype. Identifiers: MedGen CN230736.

gnomAD v4.1: 1 of 1,614,072 alleles (0.000062%); highest among the groups gnomAD compares: African/African-American, 0.0013%; no homozygotes.

Submission:

Ambry Genetics
Classification: Uncertain significance for Cardiovascular phenotype. Last evaluated: 2025-10-23. Review status: criteria provided, single submitter. Criteria: Ambry Variant Classification Scheme 2023. Collection method: clinical testing. Allele origin: germline.
Comment: The p.G229A variant (also known as c.686G>C), located in coding exon 6 of the LIPA gene, results from a G to C substitution at nucleotide position 686. The glycine at codon 229 is replaced by alanine, an amino acid with similar properties. This amino acid position is conserved. In addition, this alteration is predicted to be deleterious by in silico analysis. Based on the available evidence, the clinical significance of this variant remains unclear.